The following is an entry in ClinVar:

ClinVar aggregate classification (germline): Uncertain significance (1 of 4 stars; one submission).

Conditions:
Cohen syndrome (COH1). Also called: Cutis verticis gyrata, retinitis pigmentosa, and sensorineural deafness; PEPPER SYNDROME. Identifiers: Orphanet 193, MedGen C0265223, MONDO:0008999, OMIM 216550.

Allele frequency attached by ClinVar (database versions not stated): gnomAD exomes below 0.00001.
gnomAD v4.1: 2 of 1,613,966 alleles (0.00012%); highest among the groups gnomAD compares: Non-Finnish European, 0.00017%; no homozygotes.

Submission:

Labcorp Genetics (formerly Invitae), Labcorp
Classification: Uncertain significance for Cohen syndrome. Last evaluated: 2023-10-13. Review status: criteria provided, single submitter. Criteria: Invitae Variant Classification Sherloc (09022015). Collection method: clinical testing. Allele origin: germline.
Comment: This sequence change replaces isoleucine, which is neutral and non-polar, with valine, which is neutral and non-polar, at codon 2886 of the VPS13B protein (p.Ile2886Val). This variant is not present in population databases (gnomAD no frequency). This variant has not been reported in the literature in individuals affected with VPS13B-related conditions. Advanced modeling of protein sequence and biophysical properties (such as structural, functional, and spatial information, amino acid conservation, physicochemical variation, residue mobility, and thermodynamic stability) performed at Invitae indicates that this missense variant is not expected to disrupt VPS13B protein function. In summary, the available evidence is currently insufficient to determine the role of this variant in disease. Therefore, it has been classified as a Variant of Uncertain Significance.

NM_152564.5(VPS13B):c.8581A>G (p.Ile2861Val)

Gene: VPS13B (vacuolar protein sorting 13 homolog B; plus strand). Cytogenetic location: 8q22.2.
Variant type: single nucleotide variant.
Coding change: c.8581A>G on transcript NM_152564.5 (MANE Select); coding-DNA position 8581, A replaced by G.
Protein change: p.Ile2861Val; replaces isoleucine 2861 with valine.
Molecular consequence: missense variant.
Genome position (GRCh38, 1-based): chr8:99,818,848, A>G. VCF-style: chr8-99818848-A-G. GRCh37 (hg19) VCF-style: chr8-100831076-A-G.
Other names: c.8656A>G, p.Ile2886Val (NM_017890.5); short protein forms I2861V, I2886V.
Identifiers: ClinVar variation 2975282 (VCV002975282.3), dbSNP rs2492010809, ClinGen allele CA371774989.
Genomic context (GRCh38, chr8:99,818,848, plus strand): 5'-CTGGGATTGAGTGAAACACAAATTATTCCAGGAAAAGGGCAGGAAAAACCACTGCAAAAC[A>G]TAGAACCTGACCTTGTACATCACCTGACATTCCAAGCAAGGTACTAGAAAAATCCTTCCA-3'
Protein context (NP_689777.3, residues 2851-2871): GKGQEKPLQN[Ile2861Val]EPDLVHHLTF